The following is an entry in ClinVar:

NM_004977.3(KCNC3):c.1874G>T (p.Arg625Met)

Gene: KCNC3 (potassium voltage-gated channel subfamily C member 3; minus strand). Cytogenetic location: 19q13.33.
Variant type: single nucleotide variant.
Coding change: c.1874G>T on transcript NM_004977.3 (MANE Select); coding-DNA position 1874, G replaced by T.
Protein change: p.Arg625Met; replaces arginine 625 with methionine.
Molecular consequence: missense variant.
Genome position (GRCh38, 1-based): chr19:50,323,079, C>A on the plus strand (G>T on the coding strand, the complement: KCNC3 is on the minus strand). VCF-style: chr19-50323079-C-A. GRCh37 (hg19) VCF-style: chr19-50826336-C-A.
Other names: c.1646G>T, p.Arg549Met (NM_001372305.1); short protein forms R549M, R625M.
Identifiers: ClinVar variation 1907836 (VCV001907836.5), dbSNP rs913429586, ClinGen allele CA309572577.

ClinVar aggregate classification (germline): Uncertain significance (1 of 4 stars; one submission).

Allele frequency attached by ClinVar (database versions not stated): gnomAD 0.00001.

Submission:

Labcorp Genetics (formerly Invitae), Labcorp
Classification: Uncertain significance. Last evaluated: 2022-07-23. Review status: criteria provided, single submitter. Criteria: Invitae Variant Classification Sherloc (09022015). Collection method: clinical testing. Allele origin: germline.
Comment: This variant has not been reported in the literature in individuals affected with KCNC3-related conditions. In summary, the available evidence is currently insufficient to determine the role of this variant in disease. Therefore, it has been classified as a Variant of Uncertain Significance. Advanced modeling of protein sequence and biophysical properties (such as structural, functional, and spatial information, amino acid conservation, physicochemical variation, residue mobility, and thermodynamic stability) performed at Invitae indicates that this missense variant is not expected to disrupt KCNC3 protein function. This variant is present in population databases (no rsID available, gnomAD 0.01%). This sequence change replaces arginine, which is basic and polar, with methionine, which is neutral and non-polar, at codon 625 of the KCNC3 protein (p.Arg625Met).